The following is an entry in ClinVar:

NM_013275.6(ANKRD11):c.2506G>A (p.Asp836Asn)

Gene: ANKRD11 (ankyrin repeat domain containing 11; minus strand). Cytogenetic location: 16q24.3.
Variant type: single nucleotide variant.
Coding change: c.2506G>A on transcript NM_013275.6 (MANE Select); coding-DNA position 2506, G replaced by A.
Protein change: p.Asp836Asn; replaces aspartic acid 836 with asparagine.
Molecular consequence: missense variant.
Genome position (GRCh38, 1-based): chr16:89,284,036, C>T on the plus strand (G>A on the coding strand, the complement: ANKRD11 is on the minus strand). VCF-style: chr16-89284036-C-T. GRCh37 (hg19) VCF-style: chr16-89350444-C-T.
Other names: c.2506G>A, p.Asp836Asn (NM_001256182.2, NM_001256183.2); short protein forms D836N.
Identifiers: ClinVar variation 1792316 (VCV001792316.2), dbSNP rs1160170926, ClinGen allele CA397162256.
Genomic context (GRCh38, chr16:89,284,036, plus strand): 5'-CCTCCCCTTTGAAATCAAAGGATGAATCGGACAAGTCAGAAAACCACCGATCTCGCTGAT[C>T]GTCAGAAAGGCTAAATTTGGTGTCTTCATTCTCCAGAAACTGATTTTTGTTACAATATTC-3'
Protein context (NP_037407.4, residues 826-846): NEDTKFSLSD[Asp836Asn]QRDRWFSDLS

ClinVar aggregate classification (germline): Uncertain significance (1 of 4 stars; one submission).

Conditions:
Inborn genetic diseases. Identifiers: MedGen C0950123, MeSH D030342.

Allele frequency attached by ClinVar (database versions not stated): gnomAD 0.00001; TOPMed 0.00001.
gnomAD v4.1: 15 of 1,613,996 alleles (0.00093%); highest among the groups gnomAD compares: African/African-American, 0.0027%; no homozygotes.

Submission:

Ambry Genetics
Classification: Uncertain significance for Inborn genetic diseases. Last evaluated: 2018-06-22. Review status: criteria provided, single submitter. Criteria: Ambry Variant Classification Scheme 2023. Collection method: clinical testing. Allele origin: germline.
Comment: The p.D836N variant (also known as c.2506G>A), located in coding exon 7 of the ANKRD11 gene, results from a G to A substitution at nucleotide position 2506. The aspartic acid at codon 836 is replaced by asparagine, an amino acid with highly similar properties. This amino acid position is highly conserved in available vertebrate species. In addition, this alteration is predicted to be tolerated by in silico analysis. Since supporting evidence is limited at this time, the clinical significance of this alteration remains unclear.